The following is an entry in ClinVar:

ClinVar aggregate classification (germline): Uncertain significance. Review status: criteria provided, single submitter (1 of 4 stars). 2 submissions from 2 submitters: Uncertain significance (1). 1 of the submissions does not count toward it. Last evaluated 2021-08-31.

Conditions:
Very long chain acyl-CoA dehydrogenase deficiency (ACADVLD). Also called: Very Long-Chain Acyl-Coenzyme A Dehydrogenase Deficiency; VLCAD Deficiency. Identifiers: Orphanet 26793, MedGen C3887523, MONDO:0008723, OMIM 201475.

Allele frequency attached by ClinVar (database versions not stated): gnomAD 0.00001; gnomAD exomes 0.00001; TOPMed 0.00001.
gnomAD v4.1: 17 of 1,613,212 alleles (0.0011%); highest among the groups gnomAD compares: South Asian, 0.0033%; 1 homozygote.

Submissions (2):

Labcorp Genetics (formerly Invitae), Labcorp
Classification: Uncertain significance for Very long chain acyl-CoA dehydrogenase deficiency. Last evaluated: 2021-08-31. Review status: criteria provided, single submitter. Criteria: Invitae Variant Classification Sherloc (09022015). Collection method: clinical testing. Allele origin: germline.
Comment: This sequence change replaces alanine with valine at codon 346 of the ACADVL protein (p.Ala346Val). The alanine residue is highly conserved and there is a small physicochemical difference between alanine and valine. This variant is not present in population databases (ExAC no frequency). This variant has not been reported in the literature in individuals affected with ACADVL-related conditions. Algorithms developed to predict the effect of missense changes on protein structure and function (SIFT, PolyPhen-2, Align-GVGD) all suggest that this variant is likely to be disruptive. In summary, the available evidence is currently insufficient to determine the role of this variant in disease. Therefore, it has been classified as a Variant of Uncertain Significance.

Natera, Inc.
Classification: Uncertain significance for Very long chain acyl-CoA dehydrogenase deficiency. Last evaluated: 2021-04-15. Review status: no assertion criteria provided. Collection method: clinical testing. Allele origin: germline. Not counted in ClinVar's aggregate classification.

NM_000018.4(ACADVL):c.1037C>T (p.Ala346Val)

Gene: ACADVL (acyl-CoA dehydrogenase very long chain; plus strand). Cytogenetic location: 17p13.1.
Variant type: single nucleotide variant.
Coding change: c.1037C>T on transcript NM_000018.4 (MANE Select); coding-DNA position 1037, C replaced by T.
Protein change: p.Ala346Val; replaces alanine 346 with valine.
Molecular consequence: missense variant.
Genome position (GRCh38, 1-based): chr17:7,222,825, C>T. VCF-style: chr17-7222825-C-T. GRCh37 (hg19) VCF-style: chr17-7126144-C-T.
Other names: c.971C>T, p.Ala324Val (NM_001033859.3); c.1106C>T, p.Ala369Val (NM_001270447.2); c.809C>T, p.Ala270Val (NM_001270448.2); short protein forms A346V, A270V, A369V, A324V.
Identifiers: ClinVar variation 565769 (VCV000565769.8), dbSNP rs1303150138, ClinGen allele CA397724218.